The following is an entry in ClinVar:

ClinVar aggregate classification (germline): Uncertain significance (1 of 4 stars; one submission).

Conditions:
Cardiovascular phenotype. Identifiers: MedGen CN230736.

Allele frequency attached by ClinVar (database versions not stated): gnomAD exomes below 0.00001.

Submission:

Ambry Genetics
Classification: Uncertain significance for Cardiovascular phenotype. Last evaluated: 2023-09-15. Review status: criteria provided, single submitter. Criteria: Ambry Variant Classification Scheme 2023. Collection method: clinical testing. Allele origin: germline.
Comment: The p.S4101P variant (also known as c.12301T>C), located in coding exon 29 of the APOB gene, results from a T to C substitution at nucleotide position 12301. The serine at codon 4101 is replaced by proline, an amino acid with similar properties. This amino acid position is conserved. In addition, this alteration is predicted to be tolerated by in silico analysis. Since supporting evidence is limited at this time, the clinical significance of this alteration remains unclear.

NM_000384.3(APOB):c.12301T>C (p.Ser4101Pro)

Gene: APOB (apolipoprotein B; minus strand). Cytogenetic location: 2p24.1.
Variant type: single nucleotide variant.
Coding change: c.12301T>C on transcript NM_000384.3 (MANE Select); coding-DNA position 12301, T replaced by C.
Protein change: p.Ser4101Pro; replaces serine 4101 with proline.
Molecular consequence: missense variant.
Genome position (GRCh38, 1-based): chr2:21,003,121, A>G on the plus strand (T>C on the coding strand, the complement: APOB is on the minus strand). VCF-style: chr2-21003121-A-G. GRCh37 (hg19) VCF-style: chr2-21225993-A-G.
Other names: short protein forms S4101P.
Identifiers: ClinVar variation 3231371 (VCV003231371.1), dbSNP rs2465350924, ClinGen allele CA345971695.